The following is an entry in ClinVar:

ClinVar aggregate classification (germline): Uncertain significance (1 of 4 stars; one submission).

Allele frequency attached by ClinVar (database versions not stated): TOPMed 0.00001; ExAC 0.00003.
gnomAD v4.1: 18 of 1,611,586 alleles (0.0011%); highest among the groups gnomAD compares: East Asian, 0.0045%; no homozygotes.

Submission:

Labcorp Genetics (formerly Invitae), Labcorp
Classification: Uncertain significance. Last evaluated: 2025-10-02. Review status: criteria provided, single submitter. Criteria: Invitae Variant Classification Sherloc (09022015). Collection method: clinical testing. Allele origin: germline.
Comment: This sequence change replaces alanine, which is neutral and non-polar, with threonine, which is neutral and polar, at codon 108 of the ATP5D protein (p.Ala108Thr). This variant is present in population databases (rs772125787, gnomAD 0.003%). This variant has not been reported in the literature in individuals affected with ATP5D-related conditions. ClinVar contains an entry for this variant (Variation ID: 2164687). An algorithm developed to predict the effect of missense changes on protein structure and function (PolyPhen-2) suggests that this variant is likely to be tolerated. In summary, the available evidence is currently insufficient to determine the role of this variant in disease. Therefore, it has been classified as a Variant of Uncertain Significance.

NM_001687.5(ATP5F1D):c.322G>A (p.Ala108Thr)

Gene: ATP5F1D (ATP synthase F1 subunit delta; plus strand). Cytogenetic location: 19p13.3.
Variant type: single nucleotide variant.
Coding change: c.322G>A on transcript NM_001687.5 (MANE Select); coding-DNA position 322, G replaced by A.
Protein change: p.Ala108Thr; replaces alanine 108 with threonine.
Molecular consequence: missense variant.
Genome position (GRCh38, 1-based): chr19:1,244,123, G>A. VCF-style: chr19-1244123-G-A. GRCh37 (hg19) VCF-style: chr19-1244122-G-A.
Other names: c.322G>A, p.Ala108Thr (NM_001001975.2); short protein forms A108T.
Identifiers: ClinVar variation 2164687 (VCV002164687.4), dbSNP rs772125787, ClinGen allele CA9040278.
Genomic context (GRCh38, chr19:1,244,123, plus strand): 5'-GGTCTCACGCCTTCCCCCCGCCCCATTCCCCCAGTGAGCAGCGGTTCCATCGCAGTGAAC[G>A]CCGACTCTTCGGTGCAGTTGTTGGCCGAAGAGGCCGTGACGCTGGACATGTTGGACCTGG-3'
Protein context (NP_001678.1, residues 98-118): FVSSGSIAVN[Ala108Thr]DSSVQLLAEE